The following is an entry in ClinVar:

ClinVar aggregate classification (germline): Uncertain significance (1 of 4 stars; one submission).

Allele frequency attached by ClinVar (database versions not stated): gnomAD exomes 0.00001; TOPMed 0.00003.
gnomAD v4.1: 19 of 1,208,686 alleles (0.0016%); highest among the groups gnomAD compares: Non-Finnish European, 0.002%; no homozygotes.

Submission:

Labcorp Genetics (formerly Invitae), Labcorp
Classification: Uncertain significance. Last evaluated: 2025-02-27. Review status: criteria provided, single submitter. Criteria: Invitae Variant Classification Sherloc (09022015). Collection method: clinical testing. Allele origin: germline.
Comment: This sequence change replaces alanine, which is neutral and non-polar, with valine, which is neutral and non-polar, at codon 400 of the FRMD7 protein (p.Ala400Val). This variant is present in population databases (no rsID available, gnomAD 0.006%), including at least one homozygous and/or hemizygous individual. This variant has not been reported in the literature in individuals affected with FRMD7-related conditions. ClinVar contains an entry for this variant (Variation ID: 956468). An algorithm developed to predict the effect of missense changes on protein structure and function (PolyPhen-2) suggests that this variant is likely to be tolerated. Algorithms developed to predict the effect of sequence changes on RNA splicing suggest that this variant may create or strengthen a splice site. In summary, the available evidence is currently insufficient to determine the role of this variant in disease. Therefore, it has been classified as a Variant of Uncertain Significance.

NM_194277.3(FRMD7):c.1199C>T (p.Ala400Val)

Gene: FRMD7 (FERM domain containing 7; minus strand). Cytogenetic location: Xq26.2.
Variant type: single nucleotide variant.
Coding change: c.1199C>T on transcript NM_194277.3 (MANE Select); coding-DNA position 1199, C replaced by T.
Protein change: p.Ala400Val; replaces alanine 400 with valine.
Molecular consequence: missense variant.
Genome position (GRCh38, 1-based): chrX:132,078,818, G>A on the plus strand (C>T on the coding strand, the complement: FRMD7 is on the minus strand). VCF-style: chrX-132078818-G-A. GRCh37 (hg19) VCF-style: chrX-131212846-G-A.
Other names: c.1154C>T, p.Ala385Val (NM_001306193.2); short protein forms A385V, A400V.
Identifiers: ClinVar variation 956468 (VCV000956468.9), dbSNP rs943531530, ClinGen allele CA335857498.